The following is an entry in ClinVar:

ClinVar aggregate classification (germline): Uncertain significance (1 of 4 stars; one submission).

Submission:

GeneDx
Classification: Uncertain significance. Last evaluated: 2025-05-29. Review status: criteria provided, single submitter. Criteria: GeneDx Variant Classification Process June 2021. Collection method: clinical testing. Allele origin: germline. Affected: yes.
Comment: Not observed at significant frequency in large population cohorts (gnomAD); In silico analysis supports that this missense variant has a deleterious effect on protein structure/function; Has not been previously published as pathogenic or benign to our knowledge

NM_000069.3(CACNA1S):c.3235T>A (p.Cys1079Ser)

Gene: CACNA1S (calcium voltage-gated channel subunit alpha1 S; minus strand). Cytogenetic location: 1q32.1.
Variant type: single nucleotide variant.
Coding change: c.3235T>A on transcript NM_000069.3 (MANE Select); coding-DNA position 3235, T replaced by A.
Protein change: p.Cys1079Ser; replaces cysteine 1079 with serine.
Molecular consequence: missense variant.
Genome position (GRCh38, 1-based): chr1:201,061,287, A>T on the plus strand (T>A on the coding strand, the complement: CACNA1S is on the minus strand). VCF-style: chr1-201061287-A-T. GRCh37 (hg19) VCF-style: chr1-201030415-A-T.
Other names: short protein forms C1079S.
Identifiers: ClinVar variation 4532510 (VCV004532510.1).
Genomic context (GRCh38, chr1:201,061,287, plus strand): 5'-TGGAGCTCTGCCCTCCACCTCTGGCAGGCAGCCCAGGCACCTGGTTCTTGTCCAGCTCAC[A>T]GTTCTTGTACTCAGTCTCTCCCTGCTCCTGGAAGGTGACAATGACGAAGCCCACAAAGAT-3'
Protein context (NP_000060.2, residues 1069-1089): QEQGETEYKN[Cys1079Ser]ELDKNQRQCV